The following is an entry in ClinVar:

NM_000302.4(PLOD1):c.1971T>A (p.His657Gln)

Gene: PLOD1 (procollagen-lysine,2-oxoglutarate 5-dioxygenase 1; plus strand). Cytogenetic location: 1p36.22.
Variant type: single nucleotide variant.
Coding change: c.1971T>A on transcript NM_000302.4 (MANE Select); coding-DNA position 1971, T replaced by A.
Protein change: p.His657Gln; replaces histidine 657 with glutamine.
Molecular consequence: missense variant.
Genome position (GRCh38, 1-based): chr1:11,972,940, T>A. VCF-style: chr1-11972940-T-A. GRCh37 (hg19) VCF-style: chr1-12032997-T-A.
Other names: c.2112T>A, p.His704Gln (NM_001316320.2); short protein forms H704Q, H657Q.
Identifiers: ClinVar variation 3686059 (VCV003686059.2).

ClinVar aggregate classification (germline): Uncertain significance (1 of 4 stars; one submission).

Conditions:
Ehlers-Danlos syndrome, kyphoscoliotic type 1 (EDSKSCL1). Also called: EHLERS-DANLOS SYNDROME, TYPE VIA; Ehlers-Danlos syndrome, hydroxylysine-deficient; EHLERS-DANLOS SYNDROME, OCULAR-SCOLIOTIC TYPE; PLOD1-Related Kyphoscoliotic Ehlers-Danlos Syndrome. Identifiers: Orphanet 1900, MedGen C0268342, MONDO:0016002, OMIM 225400. Disease mechanism: loss of function.

gnomAD v4.1: 1 of 1,614,124 alleles (0.000062%); highest among the groups gnomAD compares: Non-Finnish European, 0.000085%; no homozygotes.

Submission:

Labcorp Genetics (formerly Invitae), Labcorp
Classification: Uncertain significance for Ehlers-Danlos syndrome, kyphoscoliotic type 1. Last evaluated: 2025-01-22. Review status: criteria provided, single submitter. Criteria: Invitae Variant Classification Sherloc (09022015). Collection method: clinical testing. Allele origin: germline.
Comment: This sequence change replaces histidine, which is basic and polar, with glutamine, which is neutral and polar, at codon 657 of the PLOD1 protein (p.His657Gln). This variant is not present in population databases (gnomAD no frequency). This variant has not been reported in the literature in individuals affected with PLOD1-related conditions. Invitae Evidence Modeling of protein sequence and biophysical properties (such as structural, functional, and spatial information, amino acid conservation, physicochemical variation, residue mobility, and thermodynamic stability) indicates that this missense variant is not expected to disrupt PLOD1 protein function with a negative predictive value of 95%. In summary, the available evidence is currently insufficient to determine the role of this variant in disease. Therefore, it has been classified as a Variant of Uncertain Significance.